The following is an entry in ClinVar:

NM_007186.6(CEP250):c.7157G>A (p.Gly2386Asp)

Gene: CEP250 (centrosomal protein 250; plus strand). Cytogenetic location: 20q11.22.
Variant type: single nucleotide variant.
Coding change: c.7157G>A on transcript NM_007186.6 (MANE Select); coding-DNA position 7157, G replaced by A.
Protein change: p.Gly2386Asp; replaces glycine 2386 with aspartic acid.
Molecular consequence: missense variant.
Genome position (GRCh38, 1-based): chr20:35,511,454, G>A. VCF-style: chr20-35511454-G-A. GRCh37 (hg19) VCF-style: chr20-34099283-G-A.
Other names: c.5261G>A, p.Gly1754Asp (NM_001318219.1); short protein forms G2386D, G1754D.
Identifiers: ClinVar variation 1380464 (VCV001380464.6), dbSNP rs2147239969, ClinGen allele CA408762048.

ClinVar aggregate classification (germline): Uncertain significance (1 of 4 stars; one submission).

Allele frequency attached by ClinVar (database versions not stated): gnomAD exomes below 0.00001.
gnomAD v4.1: 1 of 1,614,096 alleles (0.000062%); highest among the groups gnomAD compares: Non-Finnish European, 0.000085%; no homozygotes.

Submission:

Labcorp Genetics (formerly Invitae), Labcorp
Classification: Uncertain significance. Last evaluated: 2021-09-09. Review status: criteria provided, single submitter. Criteria: Invitae Variant Classification Sherloc (09022015). Collection method: clinical testing. Allele origin: germline.
Comment: This sequence change replaces glycine with aspartic acid at codon 2386 of the CEP250 protein (p.Gly2386Asp). The glycine residue is moderately conserved and there is a moderate physicochemical difference between glycine and aspartic acid. In summary, the available evidence is currently insufficient to determine the role of this variant in disease. Therefore, it has been classified as a Variant of Uncertain Significance. Algorithms developed to predict the effect of missense changes on protein structure and function output the following: SIFT: "Not Available"; PolyPhen-2: "Benign"; Align-GVGD: "Not Available". The aspartic acid amino acid residue is found in multiple mammalian species, which suggests that this missense change does not adversely affect protein function. This variant has not been reported in the literature in individuals affected with CEP250-related conditions. This variant is not present in population databases (ExAC no frequency).